The following is an entry in ClinVar:

ClinVar aggregate classification (germline): Likely pathogenic (1 of 4 stars; one submission).

Conditions:
Joubert syndrome 21 (JBTS21). Identifiers: MedGen C3810212, MONDO:0014288, OMIM 615636.

Submission:

Labcorp Genetics (formerly Invitae), Labcorp
Classification: Likely pathogenic for Joubert syndrome 21. Last evaluated: 2020-02-07. Review status: criteria provided, single submitter. Criteria: Invitae Variant Classification Sherloc (09022015). Collection method: clinical testing. Allele origin: germline.
Comment: Donor and acceptor splice site variants typically lead to a loss of protein function (PMID: 16199547), and loss-of-function variants in CSPP1 are known to be pathogenic (PMID: 24360807, 24360808). In summary, the currently available evidence indicates that the variant is pathogenic, but additional data are needed to prove that conclusively. Therefore, this variant has been classified as Likely Pathogenic. This variant has not been reported in the literature in individuals with CSPP1-related conditions. Algorithms developed to predict the effect of sequence changes on RNA splicing suggest that this variant may disrupt the consensus splice site, but this prediction has not been confirmed by published transcriptional studies. This variant is not present in population databases (ExAC no frequency). This sequence change affects an acceptor splice site in intron 16 of the CSPP1 gene. It is expected to disrupt RNA splicing and likely results in an absent or disrupted protein product.

Literature cited by the submitters: PubMed 16199547; PubMed 24360807; PubMed 24360808.

NM_001382391.1(CSPP1):c.2129-2A>G

Gene: CSPP1 (centrosome and spindle pole associated protein 1; plus strand). Cytogenetic location: 8q13.2.
Variant type: single nucleotide variant.
Coding change: c.2129-2A>G on transcript NM_001382391.1 (MANE Select); the canonical splice acceptor site of the intron before coding-DNA position 2129, A replaced by G.
Molecular consequence: splice acceptor variant.
Genome position (GRCh38, 1-based): chr8:67,154,022, A>G. VCF-style: chr8-67154022-A-G. GRCh37 (hg19) VCF-style: chr8-68066257-A-G.
Other names: c.1934-2A>G (NM_001363132.2); c.2048-2A>G (NM_001363131.2); c.1853-2A>G (NM_001363133.2); c.2195-2A>G (NM_001364869.1); c.2114-2A>G (NM_024790.7, NM_001438331.1); c.1961-2A>G (NM_001438330.1); c.2015-2A>G (NM_001364870.1); c.1430-2A>G (NM_001438332.1); and 1 more.
Identifiers: ClinVar variation 1066431 (VCV001066431.8), dbSNP rs2129559034, ClinGen allele CA371187577.